The following is an entry in ClinVar:

NM_025179.4(PLXNA2):c.1690_1696del (p.Val564fs)

Gene: PLXNA2 (plexin A2; minus strand). Cytogenetic location: 1q32.2.
Variant type: Deletion.
Coding change: c.1690_1696del on transcript NM_025179.4 (MANE Select); coding-DNA positions 1690 to 1696, 7 bases deleted (GTGCATC; older notation c.1690_1696delGTGCATC).
Protein change: p.Val564fs; shifts the reading frame from valine 564.
Molecular consequence: frameshift variant.
Genome position (GRCh38, 1-based): chr1:208,098,881-208,098,887, GATGCAC deleted on the plus strand (GTGCATC on the coding strand, the reverse complement: PLXNA2 is on the minus strand). VCF-style (leftmost placement, unchanged base first): chr1-208098880-GGATGCAC-G. GRCh37 (hg19) VCF-style: chr1-208272225-GGATGCAC-G.
Other names: short protein forms V564fs.
Identifiers: ClinVar variation 4983964 (VCV004983964.1).

ClinVar aggregate classification (germline): Uncertain significance (1 of 4 stars; one submission).

Conditions:
PLXNA2-related disorder. Also called: PLXNA2-related condition.

Submission:

PreventionGenetics, part of Exact Sciences
Classification: Uncertain significance for PLXNA2-related condition. Last evaluated: 2026-09-19. Review status: criteria provided, single submitter. Criteria: ACMG Guidelines, 2015. Collection method: clinical testing. Allele origin: germline.
Comment: The PLXNA2 c.1690_1696del7 variant is predicted to result in a frameshift and premature protein termination (p.Val564Profs*16). To our knowledge, this variant has not been reported in the literature or in a large population database (gnomAD), indicating this variant is rare. Loss of function has not been established as a mechanism of PLXNA2-related disease. At this time, the clinical significance of this variant is uncertain due to the absence of conclusive functional and genetic evidence.